The following is an entry in ClinVar:

NM_014727.3(KMT2B):c.6642A>C (p.Pro2214=)

Gene: KMT2B (lysine methyltransferase 2B; plus strand). Cytogenetic location: 19q13.12.
Variant type: single nucleotide variant.
Coding change: c.6642A>C on transcript NM_014727.3 (MANE Select); coding-DNA position 6642, A replaced by C.
Protein change: p.Pro2214=; no amino-acid change (proline 2214 retained).
Molecular consequence: synonymous variant.
Genome position (GRCh38, 1-based): chr19:35,733,191, A>C. VCF-style: chr19-35733191-A-C. GRCh37 (hg19) VCF-style: chr19-36224092-A-C.
Identifiers: ClinVar variation 2672756 (VCV002672756.23), dbSNP rs1599696117, ClinGen allele CA507308886.
Genomic context (GRCh38, chr19:35,733,191, plus strand): 5'-CAACAAGCTGGGGCAAGTATTTGTGAAGATGGCTGGGGAGGGTGAACCTGTCCCACCCCC[A>C]GTGAAGCAGCCACCTTTGCCCCCCACCATTTCCCCCACGGCTCCCACCTCCTGGACTCTG-3'
Protein context (NP_055542.1, residues 2204-2224): MAGEGEPVPP[Pro2214=]VKQPPLPPTI

ClinVar aggregate classification (germline): Likely benign (1 of 4 stars; one submission).

Submission:

CeGaT Center for Human Genetics Tuebingen
Classification: Likely benign. Last evaluated: 2023-11-01. Review status: criteria provided, single submitter. Criteria: CeGaT Center For Human Genetics Tuebingen Variant Classification Criteria Version 2. Collection method: clinical testing. Allele origin: germline. Affected: yes. Observed: 1 variant allele.
Comment: KMT2B: BP4, BP7